The following is an entry in ClinVar:

NM_000417.3(IL2RA):c.*1672A>T

Gene: IL2RA (interleukin 2 receptor subunit alpha; minus strand). Cytogenetic location: 10p15.1.
Variant type: single nucleotide variant.
Coding change: c.*1672A>T on transcript NM_000417.3 (MANE Select); 1672 bases downstream of the stop codon, A replaced by T.
Molecular consequence: 3 prime UTR variant.
Genome position (GRCh38, 1-based): chr10:6,011,200, T>A on the plus strand (A>T on the coding strand, the complement: IL2RA is on the minus strand). VCF-style: chr10-6011200-T-A. GRCh37 (hg19) VCF-style: chr10-6053163-T-A.
Other names: c.*1672A>T (NM_001308242.2, NM_001308243.2).
Identifiers: ClinVar variation 300218 (VCV000300218.6), dbSNP rs12722605, ClinGen allele CA10628718.
Genomic context (GRCh38, chr10:6,011,200, plus strand): 5'-GGCTGATAGTTTCCCAAATGAATAATTTTCGTTAATGTTAATCGTGTGATGTTGTTGAGC[T>A]AGAATGTTGACTCAACTGATTCGTGAGGGGAGATCTTGCACCAGATATGGAACCAGGACT-3'

ClinVar aggregate classification (germline): Benign. Review status: criteria provided, multiple submitters, no conflicts (2 of 4 stars). 2 submissions from 2 submitters: Benign (2). Last evaluated 2018-01-13.

Conditions:
Immunodeficiency due to CD25 deficiency. Also called: IMMUNODEFICIENCY 41 WITH LYMPHOPROLIFERATION AND AUTOIMMUNITY; CD25 DEFICIENCY; IL2RA DEFICIENCY. Identifiers: Orphanet 169100, MedGen C1853392, MONDO:0011664, OMIM 606367.

Allele frequency attached by ClinVar (database versions not stated): 1000 Genomes Project 30x 0.07339; 1000 Genomes Project 0.07468; gnomAD 0.10588 and 0.10759; TOPMed 0.10787; gnomAD exomes 0.14557.
gnomAD v4.1: 16,335 of 152,470 alleles (11%); highest among the groups gnomAD compares: Middle Eastern, 20%; 1,206 homozygotes.

Submissions (2):

Illumina Laboratory Services, Illumina
Classification: Benign for Immunodeficiency due to CD25 deficiency. Last evaluated: 2018-01-13. Review status: criteria provided, single submitter. Criteria: ICSL Variant Classification Criteria 13 December 2019. Collection method: clinical testing. Allele origin: germline.
Comment: This variant was observed in the ICSL laboratory as part of a predisposition screen in an ostensibly healthy population. It had not been previously curated by ICSL or reported in the Human Gene Mutation Database (HGMD: prior to June 1st, 2018), and was therefore a candidate for classification through an automated scoring system. Utilizing variant allele frequency, disease prevalence and penetrance estimates, and inheritance mode, an automated score was calculated to assess if this variant is too frequent to cause the disease. Based on the score and internal cut-off values, a variant classified as benign is not then subjected to further curation. The score for this variant resulted in a classification of benign for this disease.

Breakthrough Genomics
Classification: Benign. Review status: criteria provided, single submitter. Criteria: ACMG Guidelines, 2015. Collection method: not provided. Allele origin: germline. Inheritance: Autosomal recessive inheritance. Affected: yes.